The following is an entry in ClinVar:

ClinVar aggregate classification (germline): Pathogenic. Review status: criteria provided, multiple submitters, no conflicts (2 of 4 stars). 2 submissions from 2 submitters: Pathogenic (2). Last evaluated 2025-12-30.

Conditions:
Familial cancer of breast. Also called: Hereditary breast cancer; hereditary breast carcinoma; BREAST CANCER, FAMILIAL. Identifiers: Orphanet 227535, MedGen C0346153, MONDO:0016419, OMIM 114480. Disease mechanism: loss of function.
Hereditary cancer-predisposing syndrome. Also called: Tumor predisposition; Hereditary Cancer Syndrome; Hereditary neoplastic syndrome; Neoplastic Syndromes, Hereditary. Identifiers: Orphanet 140162, MedGen C0027672, MeSH D009386, MONDO:0015356.

Submissions (2):

Ambry Genetics
Classification: Pathogenic for Hereditary cancer-predisposing syndrome. Last evaluated: 2025-12-30. Review status: criteria provided, single submitter. Criteria: Ambry Variant Classification Scheme 2023. Collection method: clinical testing. Allele origin: germline.
Comment: The c.4473delC pathogenic mutation, located in coding exon 29 of the ATM gene, results from a deletion of one nucleotide at nucleotide position 4473, causing a translational frameshift with a predicted alternate stop codon (p.S1492Pfs*7). This variant is considered to be rare based on population cohorts in the Genome Aggregation Database (gnomAD). This alteration is expected to result in loss of function by premature protein truncation or nonsense-mediated mRNA decay. As such, this alteration is interpreted as a disease-causing mutation.

Myriad Genetics, Inc.
Classification: Pathogenic for Familial cancer of breast. Last evaluated: 2024-01-24. Review status: criteria provided, single submitter. Criteria: Myriad Autosomal Dominant, Autosomal Recessive and X-Linked Classification Criteria (2023). Collection method: clinical testing. Allele origin: unknown.
Comment: This variant is considered pathogenic. This variant creates a frameshift predicted to result in premature protein truncation.

NM_000051.4(ATM):c.4473del (p.Ser1492fs)

Gene: ATM (ATM serine/threonine kinase; plus strand). Cytogenetic location: 11q22.3.
Variant type: Deletion.
Coding change: c.4473del on transcript NM_000051.4 (MANE Select); coding-DNA position 4473, one base deleted (C; older notation c.4473delC).
Protein change: p.Ser1492fs; shifts the reading frame from serine 1492.
Molecular consequence: frameshift variant.
Genome position (GRCh38, 1-based): chr11:108,292,655, C deleted. VCF-style (leftmost placement, unchanged base first): chr11-108292654-TC-T. GRCh37 (hg19) VCF-style: chr11-108163381-TC-T.
Other names: c.4473del, p.Ser1492fs (NM_001351834.2); short protein forms S1492fs.
Identifiers: ClinVar variation 3148437 (VCV003148437.2), dbSNP rs2546924454, ClinGen allele CA2825001853.
Genomic context (GRCh38, chr11:108,292,654, plus strand): 5'-TTGTTTTTTTTTCTCCCTATATTAGGCCTTCTTGTATCATGGATGTGTCATTACGTAGCT[TC>T]TCCCTTTGTTGTGACTTATTAAGTCAGGTTTGCCAGACAGCCGTGACTTACTGTAAGGAT-3'